The following is an entry in ClinVar:

NM_000702.4(ATP1A2):c.3023G>A (p.Arg1008Gln)

Gene: ATP1A2 (ATPase Na+/K+ transporting subunit alpha 2; plus strand). Cytogenetic location: 1q23.2.
Variant type: single nucleotide variant.
Coding change: c.3023G>A on transcript NM_000702.4 (MANE Select); coding-DNA position 3023, G replaced by A.
Protein change: p.Arg1008Gln; replaces arginine 1008 with glutamine.
Molecular consequence: missense variant.
Genome position (GRCh38, 1-based): chr1:160,139,973, G>A. VCF-style: chr1-160139973-G-A. GRCh37 (hg19) VCF-style: chr1-160109763-G-A.
Other names: short protein forms R1008Q.
Identifiers: ClinVar variation 854821 (VCV000854821.14), dbSNP rs781023681, ClinGen allele CA1194912.
Genomic context (GRCh38, chr1:160,139,973, plus strand): 5'-CCTTCCCCTACAGCCTCCTCATCTTCATCTATGATGAGGTCCGAAAGCTCATCCTGCGGC[G>A]GTATCCTGGTGGTAAGCCCCTCCACATTCCCCCCAGCAAAGTGCAAGCCCCACCACCAGC-3'
Protein context (NP_000693.1, residues 998-1018): YDEVRKLILR[Arg1008Gln]YPGGWVEKET

ClinVar aggregate classification (germline): Uncertain significance. Review status: criteria provided, multiple submitters, no conflicts (2 of 4 stars). 5 submissions from 5 submitters: Uncertain significance (5). Last evaluated 2026-01-05.

Conditions:
Inborn genetic diseases. Identifiers: MedGen C0950123, MeSH D030342.
Familial hemiplegic migraine. Identifiers: MedGen C0338484, MONDO:0000700.

Allele frequency attached by ClinVar (database versions not stated): gnomAD 0.00003; TOPMed 0.00003; gnomAD exomes 0.00003 and 0.00002; ExAC 0.00005.
gnomAD v4.1: 42 of 1,613,622 alleles (0.0026%); highest among the groups gnomAD compares: East Asian, 0.051%; no homozygotes.

Submissions (5):

Labcorp Genetics (formerly Invitae), Labcorp
Classification: Uncertain significance for Familial hemiplegic migraine. Last evaluated: 2026-01-05. Review status: criteria provided, single submitter. Criteria: Invitae Variant Classification Sherloc (09022015). Collection method: clinical testing. Allele origin: germline.
Comment: This sequence change replaces arginine, which is basic and polar, with glutamine, which is neutral and polar, at codon 1008 of the ATP1A2 protein (p.Arg1008Gln). The frequency data for this variant in the population databases is considered unreliable, as metrics indicate poor data quality at this position in the gnomAD database. This variant has not been reported in the literature in individuals affected with ATP1A2-related conditions. ClinVar contains an entry for this variant (Variation ID: 854821). Invitae Evidence Modeling of protein sequence and biophysical properties (such as structural, functional, and spatial information, amino acid conservation, physicochemical variation, residue mobility, and thermodynamic stability) has been performed for this missense variant. However, the output from this modeling did not meet the statistical confidence thresholds required to predict the impact of this variant on ATP1A2 protein function. In summary, the available evidence is currently insufficient to determine the role of this variant in disease. Therefore, it has been classified as a Variant of Uncertain Significance.

Dasa
Classification: Uncertain significance. Last evaluated: 2025-11-04. Review status: criteria provided, single submitter. Criteria: DASA Assertion Criteria. Collection method: clinical testing. Allele origin: germline.
Comment: NM_000702.4(ATP1A2):c.3023G>A (p.Arg1008Gln) is a missense variant that results in the substitution of arginine with glutamine. This variant is rare in population databases. The currently available literature and clinical evidence are not sufficient to establish a definitive association between this variant and the reported condition. Therefore, this variant is classified as a variant of uncertain significance.

GeneDx
Classification: Uncertain significance. Last evaluated: 2025-03-28. Review status: criteria provided, single submitter. Criteria: GeneDx Variant Classification Process June 2021. Collection method: clinical testing. Allele origin: germline. Affected: yes.
Comment: In silico analysis indicates that this missense variant does not alter protein structure/function; Has not been previously published as pathogenic or benign to our knowledge

Ambry Genetics
Classification: Uncertain significance for Inborn genetic diseases. Last evaluated: 2024-10-07. Review status: criteria provided, single submitter. Criteria: Ambry Variant Classification Scheme 2023. Collection method: clinical testing. Allele origin: germline.

Athena Diagnostics
Classification: Uncertain significance. Last evaluated: 2022-04-25. Review status: criteria provided, single submitter. Criteria: Athena Diagnostics Criteria. Collection method: clinical testing. Allele origin: unknown.